The following is an entry in ClinVar:

NM_000051.4(ATM):c.5653dup (p.Thr1885fs)

Gene: ATM (ATM serine/threonine kinase; plus strand). Cytogenetic location: 11q22.3.
Variant type: Duplication.
Coding change: c.5653dup on transcript NM_000051.4 (MANE Select); coding-DNA position 5653, one base duplicated (A; older notation c.5653dupA).
Protein change: p.Thr1885fs; shifts the reading frame from threonine 1885.
Molecular consequence: frameshift variant.
Genome position (GRCh38, 1-based): chr11:108,304,831, A duplicated; the last of 2 consecutive A bases (chr11:108,304,830-108,304,831); duplicating either gives the same sequence. VCF-style (leftmost placement, unchanged base first): chr11-108304829-C-CA. GRCh37 (hg19) VCF-style: chr11-108175556-C-CA.
Other names: c.5653dupA (NM_000051.3); c.5653dup, p.Thr1885fs (NM_001351834.2); short protein forms T1885fs.
Identifiers: ClinVar variation 418036 (VCV000418036.13), dbSNP rs587778077, ClinGen allele CA157134.

ClinVar aggregate classification (germline): Pathogenic. Review status: criteria provided, multiple submitters, no conflicts (2 of 4 stars). 6 submissions from 6 submitters: Pathogenic (5). 1 of the submissions does not count toward it. Last evaluated 2025-03-14.

Conditions:
Hereditary cancer-predisposing syndrome. Also called: Tumor predisposition; Neoplastic Syndromes, Hereditary; Hereditary Cancer Syndrome; Hereditary neoplastic syndrome. Identifiers: Orphanet 140162, MedGen C0027672, MeSH D009386, MONDO:0015356.
Hereditary breast ovarian cancer syndrome. Also called: Hereditary breast and ovarian cancer; Hereditary breast and ovarian cancer syndrome (HBOC); Hereditary breast and/or ovarian cancer syndrome; Breast and ovarian cancer; Hereditary breast and ovarian cancer syndrome; BRCA1- and BRCA2-Associated Hereditary Breast and Ovarian Cancer. Identifiers: Orphanet 145, MedGen C0677776, MeSH D061325, MONDO:0003582. Disease mechanism: loss of function.
Familial cancer of breast. Also called: Hereditary breast cancer; BREAST CANCER, FAMILIAL; hereditary breast carcinoma. Identifiers: Orphanet 227535, MedGen C0346153, MONDO:0016419, OMIM 114480. Disease mechanism: loss of function.
Ataxia-telangiectasia syndrome (AT). Also called: Ataxia-telangiectasia; Cerebello-oculocutaneous telangiectasia; Immunodeficiency with ataxia telangiectasia; ATAXIA-TELANGIECTASIA, COMPLEMENTATION GROUP A; ATAXIA-TELANGIECTASIA, FRESNO VARIANT; Ataxia-telangiectasia, complementation group D. Identifiers: Orphanet 100, MedGen C0004135, MONDO:0008840, OMIM 208900.

Submissions (6):

Ambry Genetics
Classification: Pathogenic for Hereditary cancer-predisposing syndrome. Last evaluated: 2025-03-14. Review status: criteria provided, single submitter. Criteria: Ambry Variant Classification Scheme 2023. Collection method: clinical testing. Allele origin: germline.
Comment: The c.5653dupA pathogenic mutation, located in coding exon 36 of the ATM gene, results from a duplication of A at nucleotide position 5653, causing a translational frameshift with a predicted alternate stop codon (p.T1885Nfs*19). This variant is considered to be rare based on population cohorts in the Genome Aggregation Database (gnomAD). This alteration is expected to result in loss of function by premature protein truncation or nonsense-mediated mRNA decay. As such, this alteration is interpreted as a disease-causing mutation.

Myriad Genetics, Inc.
Classification: Pathogenic for Familial cancer of breast. Last evaluated: 2024-01-25. Review status: criteria provided, single submitter. Criteria: Myriad Autosomal Dominant, Autosomal Recessive and X-Linked Classification Criteria (2023). Collection method: clinical testing. Allele origin: unknown.
Comment: This variant is considered pathogenic. This variant creates a frameshift predicted to result in premature protein truncation.

Labcorp Genetics (formerly Invitae), Labcorp
Classification: Pathogenic for Ataxia-telangiectasia syndrome. Last evaluated: 2023-02-14. Review status: criteria provided, single submitter. Criteria: Invitae Variant Classification Sherloc (09022015). Collection method: clinical testing. Allele origin: germline.
Comment: This sequence change creates a premature translational stop signal (p.Thr1885Asnfs*19) in the ATM gene. It is expected to result in an absent or disrupted protein product. Loss-of-function variants in ATM are known to be pathogenic (PMID: 23807571, 25614872). This variant is not present in population databases (gnomAD no frequency). This variant has not been reported in the literature in individuals affected with ATM-related conditions. ClinVar contains an entry for this variant (Variation ID: 418036). For these reasons, this variant has been classified as Pathogenic.

Pittsburgh Clinical Genomics Laboratory, University of Pittsburgh Medical Center
Classification: Pathogenic for Hereditary Breast and Ovarian Cancer Syndrome. Last evaluated: 2018-08-16. Review status: criteria provided, single submitter. Criteria: ACMG Guidelines, 2015. Collection method: clinical testing. Allele origin: germline. Affected: yes. Observed: 1 variant allele.
Comment: This sequence variant is a single nucleotide duplication (dupA) in exon 37/63 of the ATM gene and results in an early termination codon 19 amino acids downstream of the frameshift at Thr1885. This variant is predicted to generate a non-functional allele through either the expression of a truncated protein, or a loss of ATM expression due to nonsense mediated decay. This is a previously reported variant (ClinVar) that is absent in control population datasets (ExAC, gnomAD databases) and has not been reported in breast cancer patients in the published literature, to our knowledge. Haploinsufficiency of ATM is a known cause of increased breast cancer risk (PMID 10677309). Thus, we consider this variant to be pathogenic.

GeneDx
Classification: Pathogenic. Last evaluated: 2017-02-22. Review status: criteria provided, single submitter. Criteria: GeneDx Variant Classification (06012015). Collection method: clinical testing. Allele origin: germline. Affected: yes.
Comment: This duplication of one nucleotide in ATM is denoted c.5653dupA at the cDNA level and p.Thr1885AsnfsX19 (T1885NfsX19) at the protein level. Using alternate nomenclature, this variant would be defined as ATM 5652dupA. The normal sequence, with the base that is duplicated in brackets, is CACA[dupA]CCCCT. The duplication causes a frameshift, which changes a Threonine to an Asparagine at codon 1885 and creates a premature stop codon at position 19 of the new reading frame. Although this variant has not, to our knowledge, been reported in the literature, it is predicted to cause loss of normal protein function through either protein truncation or nonsense-mediated mRNA decay. We consider this variant to be pathogenic.

ITMI
No classification provided. Condition: AllHighlyPenetrant. Last evaluated: 2013-09-19. Review status: no classification provided. Collection method: reference population. Allele origin: germline. Not counted in ClinVar's aggregate classification.
Comment: Please see associated publication for description of ethnicities

Literature cited by the submitters: PubMed 23807571 (cited by Labcorp Genetics (formerly Invitae), Labcorp); PubMed 25614872 (cited by Labcorp Genetics (formerly Invitae), Labcorp); PubMed 10677309 (cited by Pittsburgh Clinical Genomics Laboratory, University of Pittsburgh Medical Center); PubMed 24728327 (cited by ITMI).